The following is an entry in ClinVar:

NM_004991.4(MECOM):c.2634G>T (p.Lys878Asn)

Gene: MECOM (MDS1 and EVI1 complex locus; minus strand). Cytogenetic location: 3q26.2.
Variant type: single nucleotide variant.
Coding change: c.2634G>T on transcript NM_004991.4 (MANE Select); coding-DNA position 2634, G replaced by T.
Protein change: p.Lys878Asn; replaces lysine 878 with asparagine.
Molecular consequence: missense variant.
Genome position (GRCh38, 1-based): chr3:169,102,197, C>A on the plus strand (G>T on the coding strand, the complement: MECOM is on the minus strand). VCF-style: chr3-169102197-C-A. GRCh37 (hg19) VCF-style: chr3-168819985-C-A.
Other names: c.2265G>T, p.Lys755Asn (NM_001105077.4); c.2070G>T, p.Lys690Asn (NM_001105078.4, NM_001205194.2, NM_001366469.2 and 1 more transcripts); c.2046G>T, p.Lys682Asn (NM_001163999.2, NM_001366470.2); c.2043G>T, p.Lys681Asn (NM_001164000.2, NM_001366471.2, NM_001366472.2); c.2607G>T, p.Lys869Asn (NM_001366466.2); c.2073G>T, p.Lys691Asn (NM_001366467.2, NM_001366468.2); c.1635G>T, p.Lys545Asn (NM_001366473.2); c.1071G>T, p.Lys357Asn (NM_001366474.2); and 1 more; short protein forms K545N, K682N, K691N, K357N, K681N, K755N, K869N, K878N.
Identifiers: ClinVar variation 2825556 (VCV002825556.4), dbSNP rs774788458, ClinGen allele CA2696077.
Genomic context (GRCh38, chr3:169,102,197, plus strand): 5'-AGAGGGCACTGACTGTAAGAGCTCACTGGCCTCAGGTTTCAGGGCACTGAAGCTCTCTAG[C>A]TTTTCTGCCATGTTTTCAATAGCTGACATCTGAAAGGTAAAAGCACAAGACCATGAAGCG-3'
Protein context (NP_004982.2, residues 868-888): WMSAIENMAE[Lys878Asn]LESFSALKPE

ClinVar aggregate classification (germline): Uncertain significance. Review status: criteria provided, multiple submitters, no conflicts (2 of 4 stars). 2 submissions from 2 submitters: Uncertain significance (2). Last evaluated 2025-04-17.

Conditions:
Inborn genetic diseases. Identifiers: MedGen C0950123, MeSH D030342.

Allele frequency attached by ClinVar (database versions not stated): ExAC 0.00001.
gnomAD v4.1: 4 of 1,613,522 alleles (0.00025%); highest among the groups gnomAD compares: East Asian, 0.0067%; no homozygotes.

Submissions (2):

Ambry Genetics
Classification: Uncertain significance for Inborn genetic diseases. Last evaluated: 2025-04-17. Review status: criteria provided, single submitter. Criteria: Ambry Variant Classification Scheme 2023. Collection method: clinical testing. Allele origin: germline.
Comment: The p.K878N variant (also known as c.2634G>T), located in coding exon 11 of the MECOM gene, results from a G to T substitution at nucleotide position 2634. The lysine at codon 878 is replaced by asparagine, an amino acid with similar properties. This amino acid position is conserved. In addition, this alteration is predicted to be tolerated by in silico analysis. Based on the available evidence, the clinical significance of this variant remains unclear.

Labcorp Genetics (formerly Invitae), Labcorp
Classification: Uncertain significance. Last evaluated: 2023-01-15. Review status: criteria provided, single submitter. Criteria: Invitae Variant Classification Sherloc (09022015). Collection method: clinical testing. Allele origin: germline.
Comment: In summary, the available evidence is currently insufficient to determine the role of this variant in disease. Therefore, it has been classified as a Variant of Uncertain Significance. This sequence change replaces lysine, which is basic and polar, with asparagine, which is neutral and polar, at codon 690 of the MECOM protein (p.Lys690Asn). This variant is present in population databases (rs774788458, gnomAD 0.01%). This variant has not been reported in the literature in individuals affected with MECOM-related conditions. Algorithms developed to predict the effect of missense changes on protein structure and function (SIFT, PolyPhen-2, Align-GVGD) all suggest that this variant is likely to be tolerated.